The following is an entry in ClinVar:

ClinVar aggregate classification (germline): Uncertain significance (1 of 4 stars; one submission).

Conditions:
Desbuquois dysplasia 1 (DBQD1). Also called: MICROMELIC DWARFISM WITH VERTEBRAL AND METAPHYSEAL ABNORMALITIES AND ADVANCED CARPOTARSAL OSSIFICATION; DESBUQUOIS DYSPLASIA 1, KIM VARIANT. Identifiers: Orphanet 1425, MedGen C4012146, MONDO:0009629, OMIM 251450.

Submission:

Labcorp Genetics (formerly Invitae), Labcorp
Classification: Uncertain significance for Desbuquois dysplasia 1. Last evaluated: 2022-01-07. Review status: criteria provided, single submitter. Criteria: Invitae Variant Classification Sherloc (09022015). Collection method: clinical testing. Allele origin: germline.
Comment: This sequence change replaces proline, which is neutral and non-polar, with alanine, which is neutral and non-polar, at codon 185 of the XYLT1 protein (p.Pro185Ala). This variant is not present in population databases (gnomAD no frequency). This variant has not been reported in the literature in individuals affected with XYLT1-related conditions. Algorithms developed to predict the effect of missense changes on protein structure and function output the following: SIFT: "Tolerated"; PolyPhen-2: "Benign"; Align-GVGD: "Class C0". The alanine amino acid residue is found in multiple mammalian species, which suggests that this missense change does not adversely affect protein function. In summary, the available evidence is currently insufficient to determine the role of this variant in disease. Therefore, it has been classified as a Variant of Uncertain Significance.

NM_022166.4(XYLT1):c.553C>G (p.Pro185Ala)

Genes: XYLT1 (xylosyltransferase 1; minus strand), LOC130058566 (ATAC-STARR-seq lymphoblastoid active region 10505; plus strand). Cytogenetic location: 16p12.3.
Variant type: single nucleotide variant.
Coding change: c.553C>G on transcript NM_022166.4 (MANE Select); coding-DNA position 553, C replaced by G.
Protein change: p.Pro185Ala; replaces proline 185 with alanine.
Molecular consequence: missense variant.
Genome position (GRCh38, 1-based): chr16:17,259,348, G>C on the plus strand (C>G on the coding strand, the complement: XYLT1 is on the minus strand). VCF-style: chr16-17259348-G-C. GRCh37 (hg19) VCF-style: chr16-17353205-G-C.
Other names: short protein forms P185A.
Identifiers: ClinVar variation 2012713 (VCV002012713.4), dbSNP rs2506675921, ClinGen allele CA394892782.
Genomic context (GRCh38, chr16:17,259,348, plus strand): 5'-CTTTTCCTTTCTCCTGCTGTTCCAGCTTCCTTTTCAAAAGCTCCTTCTGTCTACTCGGTG[G>C]CTTCTTCGCCAACTCAGGCTGGTGCTTCTGCTTTTGAGTCCTGGGTGCGAAGTTGCTGTT-3'
Protein context (NP_071449.1, residues 175-195): QKHQPELAKK[Pro185Ala]PSRQKELLKR